The following is an entry in ClinVar:

ClinVar aggregate classification (germline): Likely benign. Review status: criteria provided, multiple submitters, no conflicts (2 of 4 stars). 2 submissions from 2 submitters: Likely benign (2). Last evaluated 2024-04-16.

Conditions:
Cardiomyopathy (CMYO). Also called: Cardiomyopathies. Identifiers: Orphanet 167848, MedGen C0878544, MONDO:0004994, HP:0001638. Inheritance: Various modes of inheritance.
Arrhythmogenic cardiomyopathy with wooly hair and keratoderma. Also called: PALMOPLANTAR KERATODERMA WITH LEFT VENTRICULAR CARDIOMYOPATHY AND WOOLLY HAIR; Carvajal syndrome; Dilated cardiomyopathy with woolly hair and keratoderma; Arrhythmogenic cardiomyopathy with woolly hair and keratoderma. Identifiers: Orphanet 65282, MedGen C1854063, MONDO:0011581, OMIM 605676.

Allele frequency attached by ClinVar (database versions not stated): gnomAD exomes below 0.00001.
gnomAD v4.1: 1 of 1,614,120 alleles (0.000062%); highest among the groups gnomAD compares: South Asian, 0.0011%; no homozygotes.

Submissions (2):

All of Us Research Program, National Institutes of Health
Classification: Likely benign for Arrhythmogenic cardiomyopathy with wooly hair and keratoderma. Last evaluated: 2024-04-16. Review status: criteria provided, single submitter. Criteria: ACMG Guidelines, 2015. Collection method: clinical testing. Allele origin: germline. Inheritance: Autosomal dominant inheritance. Observed: 1 variant allele, 1 heterozygote.
Comment: This study involves interpretation of variants in research participants for the purpose of population health screening. Participant phenotype was not available at the time of variant classification. Additional details can be found in publication PMID: 35346344, PMCID: PMC8962531

Color Diagnostics, LLC DBA Color Health
Classification: Likely benign for Cardiomyopathy. Last evaluated: 2019-11-20. Review status: criteria provided, single submitter. Criteria: ACMG Guidelines, 2015. Collection method: clinical testing. Allele origin: germline.

NM_004415.4(DSP):c.4788A>G (p.Glu1596=)

Gene: DSP (desmoplakin; plus strand). Cytogenetic location: 6p24.3.
Variant type: single nucleotide variant.
Coding change: c.4788A>G on transcript NM_004415.4 (MANE Select); coding-DNA position 4788, A replaced by G.
Protein change: p.Glu1596=; no amino-acid change (glutamic acid 1596 retained).
Molecular consequence: synonymous variant. On other transcripts: intron variant (2).
Genome position (GRCh38, 1-based): chr6:7,580,978, A>G. VCF-style: chr6-7580978-A-G. GRCh37 (hg19) VCF-style: chr6-7581211-A-G.
Other names: c.4050+738A>G (NM_001319034.2); c.3582+1206A>G (NM_001008844.3).
Identifiers: ClinVar variation 921976 (VCV000921976.3), dbSNP rs1759417158, ClinGen allele CA448714763.
Genomic context (GRCh38, chr6:7,580,978, plus strand): 5'-GCTGAATCGGCTGAAGAGGACCGCGTCAGAAGACTCCTGCAAGAGGAAGAAGCTGGAGGA[A>G]GAGCTGGAAGGCATGAGGAGGTCGCTGAAGGAGCAAGCCATCAAAATCACCAACCTGACC-3'
Protein context (NP_004406.2, residues 1586-1606): EDSCKRKKLE[Glu1596=]ELEGMRRSLK